The following is an entry in ClinVar:

ClinVar aggregate classification (germline): Likely benign (0 of 4 stars; one submission).

Conditions:
COL13A1-related disorder. Also called: COL13A1-related condition.

Submission:

PreventionGenetics, part of Exact Sciences
Classification: Likely benign for COL13A1-related condition. Last evaluated: 2021-12-13. Review status: no assertion criteria provided. Collection method: clinical testing. Allele origin: germline.
Comment: This variant is classified as likely benign based on ACMG/AMP sequence variant interpretation guidelines (Richards et al. 2015 PMID: 25741868, with internal and published modifications).

NM_001368882.1(COL13A1):c.66G>A (p.Ala22=)

Gene: COL13A1 (collagen type XIII alpha 1 chain; plus strand). Cytogenetic location: 10q22.1.
Variant type: single nucleotide variant.
Coding change: c.66G>A on transcript NM_001368882.1 (MANE Select); coding-DNA position 66, G replaced by A.
Protein change: p.Ala22=; no amino-acid change (alanine 22 retained).
Molecular consequence: synonymous variant. On other transcripts: 5 prime UTR variant (1).
Genome position (GRCh38, 1-based): chr10:69,802,489, G>A. VCF-style: chr10-69802489-G-A. GRCh37 (hg19) VCF-style: chr10-71562245-G-A.
Other names: c.66G>A, p.Ala22= (NM_001130103.2, NM_001320951.2, NM_001368883.1 and 11 more transcripts); c.-588G>A (NM_001368886.1).
Identifiers: ClinVar variation 3058234 (VCV003058234.2), dbSNP rs771278874, ClinGen allele CA470303202.